The following is an entry in ClinVar:

ClinVar aggregate classification (germline): Uncertain significance. Review status: criteria provided, multiple submitters, no conflicts (2 of 4 stars). 2 submissions from 2 submitters: Uncertain significance (2). Last evaluated 2025-03-18.

Conditions:
Familial cancer of breast. Also called: BREAST CANCER, FAMILIAL; Hereditary breast cancer; hereditary breast carcinoma. Identifiers: Orphanet 227535, MedGen C0346153, MONDO:0016419, OMIM 114480. Disease mechanism: loss of function.
Hereditary cancer-predisposing syndrome. Also called: Neoplastic Syndromes, Hereditary; Hereditary Cancer Syndrome; Hereditary neoplastic syndrome; Tumor predisposition. Identifiers: Orphanet 140162, MedGen C0027672, MeSH D009386, MONDO:0015356.

Submissions (2):

Labcorp Genetics (formerly Invitae), Labcorp
Classification: Uncertain significance for Familial cancer of breast. Last evaluated: 2025-03-18. Review status: criteria provided, single submitter. Criteria: Invitae Variant Classification Sherloc (09022015). Collection method: clinical testing. Allele origin: germline.
Comment: This sequence change replaces isoleucine, which is neutral and non-polar, with threonine, which is neutral and polar, at codon 189 of the CHEK2 protein (p.Ile189Thr). This variant is present in population databases (no rsID available, gnomAD 0.0009%). This variant has not been reported in the literature in individuals affected with CHEK2-related conditions. ClinVar contains an entry for this variant (Variation ID: 460843). An algorithm developed to predict the effect of missense changes on protein structure and function (PolyPhen-2) suggests that this variant is likely to be disruptive. In summary, the available evidence is currently insufficient to determine the role of this variant in disease. Therefore, it has been classified as a Variant of Uncertain Significance.

Ambry Genetics
Classification: Uncertain significance for Hereditary cancer-predisposing syndrome. Last evaluated: 2024-06-28. Review status: criteria provided, single submitter. Criteria: Ambry Variant Classification Scheme 2023. Collection method: clinical testing. Allele origin: germline.
Comment: The p.I189T variant (also known as c.566T>C), located in coding exon 3 of the CHEK2 gene, results from a T to C substitution at nucleotide position 566. The isoleucine at codon 189 is replaced by threonine, an amino acid with similar properties. This amino acid position is highly conserved in available vertebrate species. In addition, this alteration is predicted to be deleterious by in silico analysis. Based on the available evidence, the clinical significance of this variant remains unclear.

NM_007194.4(CHEK2):c.566T>C (p.Ile189Thr)

Gene: CHEK2 (checkpoint kinase 2; minus strand). Cytogenetic location: 22q12.1.
Variant type: single nucleotide variant.
Coding change: c.566T>C on transcript NM_007194.4 (MANE Select); coding-DNA position 566, T replaced by C.
Protein change: p.Ile189Thr; replaces isoleucine 189 with threonine.
Molecular consequence: missense variant. On other transcripts: 5 prime UTR variant (2), intron variant (1).
Genome position (GRCh38, 1-based): chr22:28,725,003, A>G on the plus strand (T>C on the coding strand, the complement: CHEK2 is on the minus strand). VCF-style: chr22-28725003-A-G. GRCh37 (hg19) VCF-style: chr22-29120991-A-G.
Other names: c.695T>C, p.Ile232Thr (NM_001005735.3, NM_001438294.1); c.-212T>C (NM_001257387.3); c.-98T>C (NM_001437942.1); c.659T>C, p.Ile220Thr (NM_001438293.1, NM_001438295.1); c.566T>C, p.Ile189Thr (NM_145862.3); c.445-80T>C (NM_001349956.3); short protein forms I189T, I232T, I220T.
Identifiers: ClinVar variation 460843 (VCV000460843.17), dbSNP rs1456708574, ClinGen allele CA411107081.